The following is an entry in ClinVar:

ClinVar aggregate classification (germline): Conflicting classifications of pathogenicity. Review status: criteria provided, conflicting classifications (1 of 4 stars). 2 submissions from 2 submitters: Uncertain significance (1); Likely benign (1). Last evaluated 2023-12-15.

Conditions:
Inborn genetic diseases. Identifiers: MedGen C0950123, MeSH D030342.
GM3 synthase deficiency (SPDRS). Also called: SALT AND PEPPER DEVELOPMENTAL REGRESSION SYNDROME; SALT AND PEPPER MENTAL RETARDATION SYNDROME; AMISH INFANTILE EPILEPSY SYNDROME. Identifiers: Orphanet 171714, Orphanet 370933, MedGen C1836824, MONDO:0018274, OMIM 609056.

Allele frequency attached by ClinVar (database versions not stated): ExAC 0.00002; gnomAD exomes 0.00002; gnomAD 0.00009 and 0.00011; TOPMed 0.00012.
gnomAD v4.1: 31 of 1,613,772 alleles (0.0019%); highest among the groups gnomAD compares: Admixed American, 0.022%; no homozygotes.

Submissions (2):

Ambry Genetics
Classification: Likely benign for Inborn genetic diseases. Last evaluated: 2023-12-15. Review status: criteria provided, single submitter. Criteria: Ambry Variant Classification Scheme 2023. Collection method: clinical testing. Allele origin: germline.

Labcorp Genetics (formerly Invitae), Labcorp
Classification: Uncertain significance for GM3 synthase deficiency. Last evaluated: 2022-10-07. Review status: criteria provided, single submitter. Criteria: Invitae Variant Classification Sherloc (09022015). Collection method: clinical testing. Allele origin: germline.
Comment: This sequence change replaces valine, which is neutral and non-polar, with isoleucine, which is neutral and non-polar, at codon 338 of the ST3GAL5 protein (p.Val338Ile). This variant is present in population databases (rs758368552, gnomAD 0.004%). This variant has not been reported in the literature in individuals affected with ST3GAL5-related conditions. ClinVar contains an entry for this variant (Variation ID: 967896). Advanced modeling of protein sequence and biophysical properties (such as structural, functional, and spatial information, amino acid conservation, physicochemical variation, residue mobility, and thermodynamic stability) performed at Invitae indicates that this missense variant is not expected to disrupt ST3GAL5 protein function. In summary, the available evidence is currently insufficient to determine the role of this variant in disease. Therefore, it has been classified as a Variant of Uncertain Significance.

NM_003896.4(ST3GAL5):c.1012G>A (p.Val338Ile)

Gene: ST3GAL5 (ST3 beta-galactoside alpha-2,3-sialyltransferase 5; minus strand). Cytogenetic location: 2p11.2.
Variant type: single nucleotide variant.
Coding change: c.1012G>A on transcript NM_003896.4 (MANE Select); coding-DNA position 1012, G replaced by A.
Protein change: p.Val338Ile; replaces valine 338 with isoleucine.
Molecular consequence: missense variant.
Genome position (GRCh38, 1-based): chr2:85,840,389, C>T on the plus strand (G>A on the coding strand, the complement: ST3GAL5 is on the minus strand). VCF-style: chr2-85840389-C-T. GRCh37 (hg19) VCF-style: chr2-86067512-C-T.
Other names: c.943G>A, p.Val315Ile (NM_001042437.2); c.628G>A, p.Val210Ile (NM_001354223.2, NM_001354224.2, NM_001354226.2 and 3 more transcripts); c.928G>A, p.Val310Ile (NM_001354227.2, NM_001354229.2, NM_001354238.1); c.289G>A, p.Val97Ile (NM_001354247.1); c.853G>A, p.Val285Ile (NM_001363847.1); short protein forms V315I, V338I, V210I, V285I, V310I, V97I.
Identifiers: ClinVar variation 967896 (VCV000967896.6), dbSNP rs758368552, ClinGen allele CA1744897.